The following is an entry in ClinVar:

NM_020765.3(UBR4):c.6393A>G (p.Ser2131=)

Gene: UBR4 (ubiquitin protein ligase E3 component n-recognin 4; minus strand). Cytogenetic location: 1p36.13.
Variant type: single nucleotide variant.
Coding change: c.6393A>G on transcript NM_020765.3 (MANE Select); coding-DNA position 6393, A replaced by G.
Protein change: p.Ser2131=; no amino-acid change (serine 2131 retained).
Molecular consequence: synonymous variant.
Genome position (GRCh38, 1-based): chr1:19,154,983, T>C on the plus strand (A>G on the coding strand, the complement: UBR4 is on the minus strand). VCF-style: chr1-19154983-T-C. GRCh37 (hg19) VCF-style: chr1-19481477-T-C.
Identifiers: ClinVar variation 3045716 (VCV003045716.2), dbSNP rs117574323, ClinGen allele CA650335.

ClinVar aggregate classification (germline): Benign (0 of 4 stars; one submission).

Conditions:
UBR4-related disorder. Also called: UBR4-related condition.

Allele frequency attached by ClinVar (database versions not stated): ESP Exome Variant Server 0.00008; gnomAD exomes 0.00095; gnomAD 0.00134; TOPMed 0.00142; ExAC 0.00277; 1000 Genomes Project 30x 0.01031; 1000 Genomes Project 0.01098.
gnomAD v4.1: 1,630 of 1,614,192 alleles (0.1%); highest among the groups gnomAD compares: East Asian, 3%; 33 homozygotes.

Submission:

PreventionGenetics, part of Exact Sciences
Classification: Benign for UBR4-related condition. Last evaluated: 2019-10-28. Review status: no assertion criteria provided. Collection method: clinical testing. Allele origin: germline.
Comment: This variant is classified as benign based on ACMG/AMP sequence variant interpretation guidelines (Richards et al. 2015 PMID: 25741868, with internal and published modifications).